The following is an entry in ClinVar:

NM_005228.5(EGFR):c.650A>T (p.Gln217Leu)

Gene: EGFR (epidermal growth factor receptor; plus strand). Cytogenetic location: 7p11.2.
Variant type: single nucleotide variant.
Coding change: c.650A>T on transcript NM_005228.5 (MANE Select); coding-DNA position 650, A replaced by T.
Protein change: p.Gln217Leu; replaces glutamine 217 with leucine.
Molecular consequence: missense variant. On other transcripts: intron variant (1).
Genome position (GRCh38, 1-based): chr7:55,152,567, A>T. VCF-style: chr7-55152567-A-T. GRCh37 (hg19) VCF-style: chr7-55220260-A-T.
Other names: c.515A>T, p.Gln172Leu (NM_001346897.2, NM_001346899.2); c.650A>T, p.Gln217Leu (NM_001346898.2, NM_201282.2, NM_201283.2 and 1 more transcripts); c.491A>T, p.Gln164Leu (NM_001346900.2); c.89-3263A>T (NM_001346941.2); short protein forms Q164L, Q172L, Q217L.
Identifiers: ClinVar variation 2706572 (VCV002706572.3), dbSNP rs2128933687, ClinGen allele CA367577363.

ClinVar aggregate classification (germline): Uncertain significance (1 of 4 stars; one submission).

Conditions:
EGFR-related lung cancer (EGFR). Identifiers: MedGen CN130014.

Submission:

Labcorp Genetics (formerly Invitae), Labcorp
Classification: Uncertain significance for EGFR-related lung cancer. Last evaluated: 2023-12-30. Review status: criteria provided, single submitter. Criteria: Invitae Variant Classification Sherloc (09022015). Collection method: clinical testing. Allele origin: germline.
Comment: This sequence change replaces glutamine, which is neutral and polar, with leucine, which is neutral and non-polar, at codon 217 of the EGFR protein (p.Gln217Leu). This variant is not present in population databases (gnomAD no frequency). This variant has not been reported in the literature in individuals affected with EGFR-related conditions. Advanced modeling of protein sequence and biophysical properties (such as structural, functional, and spatial information, amino acid conservation, physicochemical variation, residue mobility, and thermodynamic stability) performed at Invitae indicates that this missense variant is not expected to disrupt EGFR protein function with a negative predictive value of 80%. In summary, the available evidence is currently insufficient to determine the role of this variant in disease. Therefore, it has been classified as a Variant of Uncertain Significance.